The following is an entry in ClinVar:

NM_000079.4(CHRNA1):c.1260G>T (p.Lys420Asn)

Gene: CHRNA1 (cholinergic receptor nicotinic alpha 1 subunit; minus strand). Cytogenetic location: 2q31.1.
Variant type: single nucleotide variant.
Coding change: c.1260G>T on transcript NM_000079.4 (MANE Select); coding-DNA position 1260, G replaced by T.
Protein change: p.Lys420Asn; replaces lysine 420 with asparagine.
Molecular consequence: missense variant.
Genome position (GRCh38, 1-based): chr2:174,748,238, C>A on the plus strand (G>T on the coding strand, the complement: CHRNA1 is on the minus strand). VCF-style: chr2-174748238-C-A. GRCh37 (hg19) VCF-style: chr2-175612966-C-A.
Other names: c.1335G>T, p.Lys445Asn (NM_001039523.3); short protein forms K420N, K445N.
Identifiers: ClinVar variation 3896800 (VCV003896800.1).

ClinVar aggregate classification (germline): Uncertain significance (1 of 4 stars; one submission).

Submission:

Kariminejad - Najmabadi Pathology & Genetics Center
Classification: Uncertain significance. Last evaluated: 2023-05-01. Review status: criteria provided, single submitter. Criteria: ACMG Guidelines, 2015. Collection method: clinical testing. Allele origin: germline. Inheritance: Autosomal recessive inheritance. Affected: yes.
Comment: PM2, PP3